The following is an entry in ClinVar:

ClinVar aggregate classification (germline): Uncertain significance (1 of 4 stars; one submission).

Conditions:
Dilated cardiomyopathy 1J (CMD1J). Also called: CARDIOMYOPATHY, DILATED, WITH SENSORINEURAL HEARING LOSS, AUTOSOMAL DOMINANT. Identifiers: Orphanet 217622, MedGen C1854368, MONDO:0011541, OMIM 605362.

Submission:

Labcorp Genetics (formerly Invitae), Labcorp
Classification: Uncertain significance for Dilated cardiomyopathy 1J. Last evaluated: 2024-04-24. Review status: criteria provided, single submitter. Criteria: Invitae Variant Classification Sherloc (09022015). Collection method: clinical testing. Allele origin: germline.
Comment: This sequence change replaces proline, which is neutral and non-polar, with serine, which is neutral and polar, at codon 304 of the EYA4 protein (p.Pro304Ser). This variant is not present in population databases (gnomAD no frequency). This variant has not been reported in the literature in individuals affected with EYA4-related conditions. Advanced modeling of protein sequence and biophysical properties (such as structural, functional, and spatial information, amino acid conservation, physicochemical variation, residue mobility, and thermodynamic stability) performed at Invitae indicates that this missense variant is not expected to disrupt EYA4 protein function with a negative predictive value of 80%. In summary, the available evidence is currently insufficient to determine the role of this variant in disease. Therefore, it has been classified as a Variant of Uncertain Significance.

NM_004100.5(EYA4):c.910C>T (p.Pro304Ser)

Gene: EYA4 (EYA transcriptional coactivator and phosphatase 4; plus strand). Cytogenetic location: 6q23.2.
Variant type: single nucleotide variant.
Coding change: c.910C>T on transcript NM_004100.5 (MANE Select); coding-DNA position 910, C replaced by T.
Protein change: p.Pro304Ser; replaces proline 304 with serine.
Molecular consequence: missense variant.
Genome position (GRCh38, 1-based): chr6:133,468,671, C>T. VCF-style: chr6-133468671-C-T. GRCh37 (hg19) VCF-style: chr6-133789809-C-T.
Other names: c.748C>T, p.Pro250Ser (NM_001301012.2, NM_001370459.1); c.910C>T, p.Pro304Ser (NM_001301013.2, NM_172105.4); c.841C>T, p.Pro281Ser (NM_001370458.1, NM_172103.4); short protein forms P250S, P281S, P304S.
Identifiers: ClinVar variation 3623715 (VCV003623715.2).